The following is an entry in ClinVar:

ClinVar aggregate classification (germline): Pathogenic (1 of 4 stars; one submission).

Conditions:
Hereditary breast ovarian cancer syndrome. Also called: Hereditary breast and ovarian cancer; Hereditary breast and/or ovarian cancer syndrome; Hereditary breast and ovarian cancer syndrome; Hereditary breast and ovarian cancer syndrome (HBOC); Breast and ovarian cancer; BRCA1- and BRCA2-Associated Hereditary Breast and Ovarian Cancer. Identifiers: Orphanet 145, MedGen C0677776, MeSH D061325, MONDO:0003582. Disease mechanism: loss of function.

Submission:

Labcorp Genetics (formerly Invitae), Labcorp
Classification: Pathogenic for Hereditary breast ovarian cancer syndrome. Last evaluated: 2023-10-17. Review status: criteria provided, single submitter. Criteria: Invitae Variant Classification Sherloc (09022015). Collection method: clinical testing. Allele origin: germline.
Comment: This sequence change creates a premature translational stop signal (p.Ala2738Serfs*2) in the BRCA2 gene. It is expected to result in an absent or disrupted protein product. Loss-of-function variants in BRCA2 are known to be pathogenic (PMID: 20104584). This variant is not present in population databases (gnomAD no frequency). This variant has not been reported in the literature in individuals affected with BRCA2-related conditions. ClinVar contains an entry for this variant (Variation ID: 965886). For these reasons, this variant has been classified as Pathogenic.

Literature cited by the submitters: PubMed 20104584.

NM_000059.4(BRCA2):c.8212_8215del (p.Ala2738fs)

Gene: BRCA2 (BRCA2 DNA repair associated; plus strand). Cytogenetic location: 13q13.1.
Variant type: Deletion.
Coding change: c.8212_8215del on transcript NM_000059.4 (MANE Select); coding-DNA positions 8212 to 8215, 4 bases deleted (GCTG; older notation c.8212_8215delGCTG).
Protein change: p.Ala2738fs; shifts the reading frame from alanine 2738.
Molecular consequence: frameshift variant.
Genome position (GRCh38, 1-based): chr13:32,363,414-32,363,417, GCTG deleted. VCF-style (leftmost placement, unchanged base first): chr13-32363413-AGCTG-A. GRCh37 (hg19) VCF-style: chr13-32937550-AGCTG-A.
Other names: short protein forms A2738fs.
Identifiers: ClinVar variation 965886 (VCV000965886.8), dbSNP rs2072759086, ClinGen allele CA1139663147.